The following is an entry in ClinVar:

NM_000660.7(TGFB1):c.501C>T (p.His167=)

Gene: TGFB1 (transforming growth factor beta 1; minus strand). Cytogenetic location: 19q13.2.
Variant type: single nucleotide variant.
Coding change: c.501C>T on transcript NM_000660.7 (MANE Select); coding-DNA position 501, C replaced by T.
Protein change: p.His167=; no amino-acid change (histidine 167 retained).
Molecular consequence: synonymous variant.
Genome position (GRCh38, 1-based): chr19:41,348,310, G>A on the plus strand (C>T on the coding strand, the complement: TGFB1 is on the minus strand). VCF-style: chr19-41348310-G-A. GRCh37 (hg19) VCF-style: chr19-41854215-G-A.
Identifiers: ClinVar variation 2578829 (VCV002578829.28), dbSNP rs764220658, ClinGen allele CA9460084.

ClinVar aggregate classification (germline): Likely benign. Review status: criteria provided, multiple submitters, no conflicts (2 of 4 stars). 2 submissions from 2 submitters: Likely benign (2). Last evaluated 2024-08-13.

Allele frequency attached by ClinVar (database versions not stated): TOPMed 0.00001; ExAC 0.00002; gnomAD 0.00002.

Submissions (2):

Labcorp Genetics (formerly Invitae), Labcorp
Classification: Likely benign. Last evaluated: 2024-08-13. Review status: criteria provided, single submitter. Criteria: Invitae Variant Classification Sherloc (09022015). Collection method: clinical testing. Allele origin: germline.

CeGaT Center for Human Genetics Tuebingen
Classification: Likely benign. Last evaluated: 2023-07-01. Review status: criteria provided, single submitter. Criteria: CeGaT Center For Human Genetics Tuebingen Variant Classification Criteria Version 2. Collection method: clinical testing. Allele origin: germline. Affected: yes. Observed: 1 variant allele.
Comment: TGFB1: BP4, BP7